The following is an entry in ClinVar:

ClinVar aggregate classification (germline): Uncertain significance (1 of 4 stars; one submission).

Conditions:
Dilated cardiomyopathy 1JJ (CMD1JJ). Identifiers: Orphanet 154, MedGen C3808935, MONDO:0014095, OMIM 615235.

gnomAD v4.1: 1 of 1,613,788 alleles (0.000062%); highest among the groups gnomAD compares: Non-Finnish European, 0.000085%; no homozygotes.

Submission:

Labcorp Genetics (formerly Invitae), Labcorp
Classification: Uncertain significance for Dilated cardiomyopathy 1JJ. Last evaluated: 2025-10-22. Review status: criteria provided, single submitter. Criteria: Invitae Variant Classification Sherloc (09022015). Collection method: clinical testing. Allele origin: germline.
Comment: This sequence change creates a premature translational stop signal (p.Arg1553*) in the LAMA4 gene. It is expected to result in an absent or disrupted protein product. However, the current clinical and genetic evidence is not sufficient to establish whether loss-of-function variants in LAMA4 cause disease. This variant is not present in population databases (gnomAD no frequency). This variant has not been reported in the literature in individuals affected with LAMA4-related conditions. ClinVar contains an entry for this variant (Variation ID: 1363452). In summary, the available evidence is currently insufficient to determine the role of this variant in disease. Therefore, it has been classified as a Variant of Uncertain Significance.

NM_001105206.3(LAMA4):c.4678C>T (p.Arg1560Ter)

Gene: LAMA4 (laminin subunit alpha 4; minus strand). Cytogenetic location: 6q21.
Variant type: single nucleotide variant.
Coding change: c.4678C>T on transcript NM_001105206.3 (MANE Select); coding-DNA position 4678, C replaced by T.
Protein change: p.Arg1560Ter; replaces arginine 1560 with a stop codon.
Molecular consequence: nonsense.
Genome position (GRCh38, 1-based): chr6:112,119,299, G>A on the plus strand (C>T on the coding strand, the complement: LAMA4 is on the minus strand). VCF-style: chr6-112119299-G-A. GRCh37 (hg19) VCF-style: chr6-112440502-G-A.
Other names: c.4657C>T, p.Arg1553Ter (NM_001105207.3, NM_002290.5); short protein forms R1553*, R1560*.
Identifiers: ClinVar variation 1363452 (VCV001363452.6), dbSNP rs150069819, ClinGen allele CA365368792.